The following is an entry in ClinVar:

ClinVar aggregate classification (germline): Likely benign. Review status: criteria provided, multiple submitters, no conflicts (2 of 4 stars). 2 submissions from 2 submitters: Likely benign (2). Last evaluated 2024-01-09.

gnomAD v4.1: 111 of 1,541,598 alleles (0.0072%); highest among the groups gnomAD compares: Admixed American, 0.051%; no homozygotes.

Submissions (2):

Ambry Genetics
Classification: Likely benign. Last evaluated: 2024-01-09. Review status: criteria provided, single submitter. Criteria: Ambry Variant Classification Scheme 2023. Collection method: clinical testing. Allele origin: germline.

CeGaT Center for Human Genetics Tuebingen
Classification: Likely benign. Last evaluated: 2022-03-01. Review status: criteria provided, single submitter. Criteria: CeGaT Center For Human Genetics Tuebingen Variant Classification Criteria Version 2. Collection method: clinical testing. Allele origin: germline. Affected: yes. Observed: 1 variant allele.
Comment: INCENP: BP4, BP7

NM_001040694.2(INCENP):c.2139C>G (p.Arg713=)

Gene: INCENP (inner centromere protein; plus strand). Cytogenetic location: 11q12.3.
Variant type: single nucleotide variant.
Coding change: c.2139C>G on transcript NM_001040694.2 (MANE Select); coding-DNA position 2139, C replaced by G.
Protein change: p.Arg713=; no amino-acid change (arginine 713 retained).
Molecular consequence: synonymous variant.
Genome position (GRCh38, 1-based): chr11:62,146,837, C>G. VCF-style: chr11-62146837-C-G. GRCh37 (hg19) VCF-style: chr11-61914309-C-G.
Other names: c.2127C>G, p.Arg709= (NM_020238.3); c.2139C>G (NM_001040694.1).
Identifiers: ClinVar variation 2641845 (VCV002641845.25), dbSNP rs769360446, ClinGen allele CA222972720.